The following is an entry in ClinVar:

ClinVar aggregate classification (germline): Pathogenic (1 of 4 stars; one submission).

Allele frequency attached by ClinVar (database versions not stated): gnomAD exomes below 0.00001.

Submission:

Labcorp Genetics (formerly Invitae), Labcorp
Classification: Pathogenic. Last evaluated: 2022-03-27. Review status: criteria provided, single submitter. Criteria: Invitae Variant Classification Sherloc (09022015). Collection method: clinical testing. Allele origin: germline.
Comment: For these reasons, this variant has been classified as Pathogenic. This variant has not been reported in the literature in individuals affected with CDH23-related conditions. This variant is not present in population databases (gnomAD no frequency). This sequence change creates a premature translational stop signal (p.Arg3Profs*15) in the CDH23 gene. It is expected to result in an absent or disrupted protein product. Loss-of-function variants in CDH23 are known to be pathogenic (PMID: 11138009, 21940737).

Literature cited by the submitters: PubMed 11138009; PubMed 21940737.

NM_022124.6(CDH23):c.8del (p.Arg3fs)

Gene: CDH23 (cadherin related 23; plus strand). Cytogenetic location: 10q22.1.
Variant type: Deletion.
Coding change: c.8del on transcript NM_022124.6 (MANE Select); coding-DNA position 8, one base deleted (G; older notation c.8delG).
Protein change: p.Arg3fs; shifts the reading frame from arginine 3.
Molecular consequence: frameshift variant.
Genome position (GRCh38, 1-based): chr10:71,439,839, G deleted. VCF-style (leftmost placement, unchanged base first): chr10-71439838-CG-C. GRCh37 (hg19) VCF-style: chr10-73199595-CG-C.
Other names: c.8del, p.Arg3fs (NM_001171930.2, NM_001171931.2, NM_001171932.2 and 1 more transcripts); short protein forms R3fs.
Identifiers: ClinVar variation 2118318 (VCV002118318.4), dbSNP rs2492822533, ClinGen allele CA2580081794.